The following is an entry in ClinVar:

ClinVar aggregate classification (germline): Conflicting classifications of pathogenicity. Review status: criteria provided, conflicting classifications (1 of 4 stars). 2 submissions from 2 submitters: Uncertain significance (1); Likely benign (1). Last evaluated 2026-01-10.

Conditions:
Noonan syndrome 9 (NS9). Identifiers: Orphanet 648, MedGen C4225282, MONDO:0014691, OMIM 616559.
SOS2-related disorder. Also called: SOS2-related condition.

Allele frequency attached by ClinVar (database versions not stated): TOPMed below 0.00001; ExAC 0.00001; gnomAD exomes below 0.00001.
gnomAD v4.1: 7 of 1,614,134 alleles (0.00043%); highest among the groups gnomAD compares: Admixed American, 0.0017%; no homozygotes.

Submissions (2):

Labcorp Genetics (formerly Invitae), Labcorp
Classification: Likely benign for Noonan syndrome 9. Last evaluated: 2026-01-10. Review status: criteria provided, single submitter. Criteria: Invitae Variant Classification Sherloc (09022015). Collection method: clinical testing. Allele origin: germline.

PreventionGenetics, part of Exact Sciences
Classification: Uncertain significance for SOS2-related condition. Last evaluated: 2023-06-26. Review status: criteria provided, single submitter. Criteria: ACMG Guidelines, 2015. Collection method: clinical testing. Allele origin: germline.
Comment: The SOS2 c.3773C>T variant is predicted to result in the amino acid substitution p.Ser1258Leu. To our knowledge, this variant has not been reported in the literature. This variant is reported in 0.0033% of alleles in individuals of South Asian descent in gnomAD. At this time, the clinical significance of this variant is uncertain due to the absence of conclusive functional and genetic evidence.

NM_006939.4(SOS2):c.3773C>T (p.Ser1258Leu)

Gene: SOS2 (SOS Ras/Rho guanine nucleotide exchange factor 2; minus strand). Cytogenetic location: 14q21.3.
Variant type: single nucleotide variant.
Coding change: c.3773C>T on transcript NM_006939.4 (MANE Select); coding-DNA position 3773, C replaced by T.
Protein change: p.Ser1258Leu; replaces serine 1258 with leucine.
Molecular consequence: missense variant.
Genome position (GRCh38, 1-based): chr14:50,118,570, G>A on the plus strand (C>T on the coding strand, the complement: SOS2 is on the minus strand). VCF-style: chr14-50118570-G-A. GRCh37 (hg19) VCF-style: chr14-50585288-G-A.
Other names: c.3674C>T, p.Ser1225Leu (NM_001411020.1); short protein forms S1225L, S1258L.
Identifiers: ClinVar variation 2629044 (VCV002629044.4), dbSNP rs769093505, ClinGen allele CA7176708.
Genomic context (GRCh38, chr14:50,118,570, plus strand): 5'-CTGAGCACATAGCATCGACGCGGTACCCTTGGAGAGGGTGTGCTAGGAGGAGTGCTTGGC[G>A]AATTTGGACACGTACTAATGTCTCTGAGCCAGTCTGAATCTCTGTGAAGATGCCCCAGTG-3'
Protein context (NP_008870.2, residues 1248-1268): WLRDISTCPN[Ser1258Leu]PSTPPSTPSP